The following is an entry in ClinVar:

NM_005422.4(TECTA):c.790+6G>A

Genes: TBCEL-TECTA (TBCEL-TECTA readthrough; plus strand), TECTA (tectorin alpha; plus strand). Cytogenetic location: 11q23.3.
Variant type: single nucleotide variant.
Coding change: c.790+6G>A on transcript NM_005422.4 (MANE Select); 6 bases into the intron after coding-DNA position 790, G replaced by A.
Molecular consequence: intron variant.
Genome position (GRCh38, 1-based): chr11:121,113,724, G>A. VCF-style: chr11-121113724-G-A. GRCh37 (hg19) VCF-style: chr11-120984433-G-A.
Other names: c.1747+6G>A (NM_001378761.1).
Identifiers: ClinVar variation 546169 (VCV000546169.11), dbSNP rs375946958, ClinGen allele CA6326595.

ClinVar aggregate classification (germline): Uncertain significance. Review status: criteria provided, multiple submitters, no conflicts (2 of 4 stars). 4 submissions from 4 submitters: Uncertain significance (4). Last evaluated 2025-12-03.

Allele frequency attached by ClinVar (database versions not stated): gnomAD exomes 0.00004 and 0.00007; ExAC 0.00006; TOPMed 0.00006; gnomAD 0.00007 and 0.00008; ESP Exome Variant Server 0.00023.
gnomAD v4.1: 71 of 1,613,064 alleles (0.0044%); highest among the groups gnomAD compares: Non-Finnish European, 0.0058%; no homozygotes.

Submissions (4):

Labcorp Genetics (formerly Invitae), Labcorp
Classification: Uncertain significance. Last evaluated: 2025-12-03. Review status: criteria provided, single submitter. Criteria: Invitae Variant Classification Sherloc (09022015). Collection method: clinical testing. Allele origin: germline.
Comment: This sequence change falls in intron 5 of the TECTA gene. It does not directly change the encoded amino acid sequence of the TECTA protein. It affects a nucleotide within the consensus splice site. This variant is present in population databases (rs375946958, gnomAD 0.01%). This variant has not been reported in the literature in individuals affected with TECTA-related conditions. ClinVar contains an entry for this variant (Variation ID: 546169). Variants that disrupt the consensus splice site are a relatively common cause of aberrant splicing (PMID: 17576681, 9536098). Algorithms developed to predict the effect of sequence changes on RNA splicing suggest that this variant is not likely to affect RNA splicing. In summary, the available evidence is currently insufficient to determine the role of this variant in disease. Therefore, it has been classified as a Variant of Uncertain Significance.

Blueprint Genetics
Classification: Uncertain significance. Last evaluated: 2024-09-21. Review status: criteria provided, single submitter. Criteria: ACMG Guidelines, 2015. Collection method: clinical testing. Allele origin: germline.

GeneDx
Classification: Uncertain significance. Last evaluated: 2021-07-15. Review status: criteria provided, single submitter. Criteria: GeneDx Variant Classification Process June 2021. Collection method: clinical testing. Allele origin: germline. Affected: yes.
Comment: In-silico analysis is inconclusive as to whether the variant alters gene splicing. In the absence of RNA/functional studies, the actual effect of this sequence change is unknown.; Has not been previously published as pathogenic or benign to our knowledge; This variant is associated with the following publications: (PMID: 27535533)

Athena Diagnostics
Classification: Uncertain significance. Last evaluated: 2018-12-31. Review status: criteria provided, single submitter. Criteria: Athena Diagnostics Criteria. Collection method: clinical testing. Allele origin: germline.

Literature cited by the submitters: PubMed 17576681 (cited by Labcorp Genetics (formerly Invitae), Labcorp); PubMed 9536098 (cited by Labcorp Genetics (formerly Invitae), Labcorp).